The following is an entry in ClinVar:

NM_000030.3(AGXT):c.40dup (p.Leu14fs)

Gene: AGXT (alanine--glyoxylate aminotransferase; plus strand). Cytogenetic location: 2q37.3.
Variant type: Duplication.
Coding change: c.40dup on transcript NM_000030.3 (MANE Select); coding-DNA position 40, one base duplicated (C; older notation c.40dupC).
Protein change: p.Leu14fs; shifts the reading frame from leucine 14.
Molecular consequence: frameshift variant.
Genome position (GRCh38, 1-based): chr2:240,868,905, C duplicated; the last of 3 consecutive C bases (chr2:240,868,903-240,868,905); duplicating any one gives the same sequence. VCF-style (leftmost placement, unchanged base first): chr2-240868902-G-GC. GRCh37 (hg19) VCF-style: chr2-241808319-G-GC.
Other names: c.40_41insC; short protein forms L14fs.
Identifiers: ClinVar variation 2681174 (VCV002681174.1), dbSNP rs2528738978, ClinGen allele CA2586971629.
Genomic context (GRCh38, chr2:240,868,902, plus strand): 5'-CGAGCGGCAGGTTGGGTGCGGACCATGGCCTCTCACAAGCTGCTGGTGACCCCCCCCAAG[G>GC]CCCTGCTCAAGCCCCTCTCCATCCCCAACCAGCTCCTGCTGGGGCCTGGTCCTTCCAACC-3'

ClinVar aggregate classification (germline): Pathogenic (1 of 4 stars; one submission).

Conditions:
Primary hyperoxaluria, type I (HP1). Also called: OXALOSIS I; Primary hyperoxaluria type 1; GLYCOLIC ACIDURIA; HEPATIC AGT DEFICIENCY. Identifiers: Orphanet 416, Orphanet 93598, MedGen C0268164, MONDO:0009823, OMIM 259900. Disease mechanism: loss of function.

Submission:

Clinical Biochemistry Laboratory, Health Services Laboratory
Classification: Pathogenic for Primary hyperoxaluria, type I. Last evaluated: 2023-10-27. Review status: criteria provided, single submitter. Criteria: ACMG Guidelines, 2015. Collection method: curation. Allele origin: germline. Affected: yes.
Comment: ACMG:PVS1 PM2 PM3

Literature cited by the submitters: PubMed 36185032.